The following is an entry in ClinVar:

ClinVar aggregate classification (germline): Uncertain significance (1 of 4 stars; one submission).

Conditions:
NR0B2-related disorder. Also called: NR0B2-related condition.

gnomAD v4.1: 12 of 1,508,844 alleles (0.0008%); highest among the groups gnomAD compares: Admixed American, 0.0045%; no homozygotes.

Submission:

PreventionGenetics, part of Exact Sciences
Classification: Uncertain significance for NR0B2-related condition. Last evaluated: 2026-01-16. Review status: criteria provided, single submitter. Criteria: ACMG Guidelines, 2015. Collection method: clinical testing. Allele origin: germline.
Comment: The NR0B2 c.112C>T variant is predicted to result in the amino acid substitution p.Arg38Cys. This variant has been described in a large cohort of individuals with type 2 diabetes; however, the resulting variant protein was similar to wild type in the in vitro functional analysis performed (Enya et al. 2008. PubMed ID: 18781616). This variant is reported in 0.0092% of alleles in individuals of Latino descent in gnomAD. At this time, the clinical significance of this variant is uncertain due to the absence of conclusive functional and genetic evidence.

NM_021969.3(NR0B2):c.112C>T (p.Arg38Cys)

Genes: NR0B2 (nuclear receptor subfamily 0 group B member 2; minus strand), NUDC (nuclear distribution C, dynein complex regulator; plus strand). Cytogenetic location: 1p36.11.
Variant type: single nucleotide variant.
Coding change: c.112C>T on transcript NM_021969.3 (MANE Select); coding-DNA position 112, C replaced by T.
Protein change: p.Arg38Cys; replaces arginine 38 with cysteine.
Molecular consequence: missense variant.
Genome position (GRCh38, 1-based): chr1:26,913,829, G>A on the plus strand (C>T on the coding strand, the complement: NR0B2 is on the minus strand). VCF-style: chr1-26913829-G-A. GRCh37 (hg19) VCF-style: chr1-27240320-G-A.
Other names: short protein forms R38C.
Identifiers: ClinVar variation 4977994 (VCV004977994.1).